The following is an entry in ClinVar:

NM_004984.4(KIF5A):c.1132G>C (p.Glu378Gln)

Gene: KIF5A (kinesin family member 5A; plus strand). Cytogenetic location: 12q13.3.
Variant type: single nucleotide variant.
Coding change: c.1132G>C on transcript NM_004984.4 (MANE Select); coding-DNA position 1132, G replaced by C.
Protein change: p.Glu378Gln; replaces glutamic acid 378 with glutamine.
Molecular consequence: missense variant.
Genome position (GRCh38, 1-based): chr12:57,570,001, G>C. VCF-style: chr12-57570001-G-C. GRCh37 (hg19) VCF-style: chr12-57963784-G-C.
Other names: c.865G>C, p.Glu289Gln (NM_001354705.2); short protein forms E289Q, E378Q.
Identifiers: ClinVar variation 3625488 (VCV003625488.2).

ClinVar aggregate classification (germline): Uncertain significance (1 of 4 stars; one submission).

Conditions:
Spastic paraplegia. Identifiers: MedGen C0037772, HP:0001258.

Submission:

Labcorp Genetics (formerly Invitae), Labcorp
Classification: Uncertain significance for Spastic paraplegia. Last evaluated: 2025-08-03. Review status: criteria provided, single submitter. Criteria: Invitae Variant Classification Sherloc (09022015). Collection method: clinical testing. Allele origin: germline.
Comment: This sequence change replaces glutamic acid, which is acidic and polar, with glutamine, which is neutral and polar, at codon 378 of the KIF5A protein (p.Glu378Gln). This variant is not present in population databases (gnomAD no frequency). This variant has not been reported in the literature in individuals affected with KIF5A-related conditions. ClinVar contains an entry for this variant (Variation ID: 3625488). Invitae Evidence Modeling of protein sequence and biophysical properties (such as structural, functional, and spatial information, amino acid conservation, physicochemical variation, residue mobility, and thermodynamic stability) indicates that this missense variant is not expected to disrupt KIF5A protein function with a negative predictive value of 95%. In summary, the available evidence is currently insufficient to determine the role of this variant in disease. Therefore, it has been classified as a Variant of Uncertain Significance.